The following is an entry in ClinVar:

NM_020911.2(PLXNA4):c.1548C>T (p.Cys516=)

Gene: PLXNA4 (plexin A4; minus strand). Cytogenetic location: 7q32.3.
Variant type: single nucleotide variant.
Coding change: c.1548C>T on transcript NM_020911.2 (MANE Select); coding-DNA position 1548, C replaced by T.
Protein change: p.Cys516=; no amino-acid change (cysteine 516 retained).
Molecular consequence: synonymous variant.
Genome position (GRCh38, 1-based): chr7:132,241,122, G>A on the plus strand (C>T on the coding strand, the complement: PLXNA4 is on the minus strand). VCF-style: chr7-132241122-G-A. GRCh37 (hg19) VCF-style: chr7-131925881-G-A.
Other names: c.1548C>T, p.Cys516= (NM_001393897.1).
Identifiers: ClinVar variation 3355096 (VCV003355096.1).

ClinVar aggregate classification (germline): Likely benign (0 of 4 stars; one submission).

Conditions:
PLXNA4-related disorder. Also called: PLXNA4-related condition.

gnomAD v4.1: 30 of 1,613,050 alleles (0.0019%); highest among the groups gnomAD compares: Non-Finnish European, 0.0025%; no homozygotes.

Submission:

PreventionGenetics, part of Exact Sciences
Classification: Likely benign for PLXNA4-related condition. Last evaluated: 2023-05-15. Review status: no assertion criteria provided. Collection method: clinical testing. Allele origin: germline.
Comment: This variant is classified as likely benign based on ACMG/AMP sequence variant interpretation guidelines (Richards et al. 2015 PMID: 25741868, with internal and published modifications).